The following is an entry in ClinVar:

NM_015122.3(FCHO1):c.1561C>G (p.Pro521Ala)

Gene: FCHO1 (FCH and mu domain containing endocytic adaptor 1; plus strand). Cytogenetic location: 19p13.11.
Variant type: single nucleotide variant.
Coding change: c.1561C>G on transcript NM_015122.3 (MANE Select); coding-DNA position 1561, C replaced by G.
Protein change: p.Pro521Ala; replaces proline 521 with alanine.
Molecular consequence: missense variant. On other transcripts: non-coding transcript variant (14), intron variant (11).
Genome position (GRCh38, 1-based): chr19:17,778,818, C>G. VCF-style: chr19-17778818-C-G. GRCh37 (hg19) VCF-style: chr19-17889627-C-G.
Other names: c.1561C>G, p.Pro521Ala (NM_001161357.2, NM_001161358.2, NM_001384370.1 and 13 more transcripts); c.1411C>G, p.Pro471Ala (NM_001161359.2, NM_001384384.1, NM_001384385.1 and 1 more transcripts); c.1522C>G, p.Pro508Ala (NM_001384388.1, NM_001384389.1, NM_001384405.1); c.1486C>G, p.Pro496Ala (NM_001384390.1); c.1444C>G, p.Pro482Ala (NM_001384392.1, NM_001384393.1, NM_001384394.1 and 1 more transcripts); c.1351+590C>G (NM_001384396.1, NM_001384404.1, NM_001384398.1 and 5 more transcripts); c.1201+590C>G (NM_001384406.1); c.1058-2413C>G (NM_001384407.1); and 1 more; short protein forms P471A, P508A, P521A, P482A, P496A.
Identifiers: ClinVar variation 2765791 (VCV002765791.2), dbSNP rs2092991803, ClinGen allele CA404753928.

ClinVar aggregate classification (germline): Uncertain significance (1 of 4 stars; one submission).

Submission:

Labcorp Genetics (formerly Invitae), Labcorp
Classification: Uncertain significance. Last evaluated: 2023-10-05. Review status: criteria provided, single submitter. Criteria: Invitae Variant Classification Sherloc (09022015). Collection method: clinical testing. Allele origin: germline.
Comment: This sequence change replaces proline, which is neutral and non-polar, with alanine, which is neutral and non-polar, at codon 521 of the FCHO1 protein (p.Pro521Ala). This variant is not present in population databases (gnomAD no frequency). This variant has not been reported in the literature in individuals affected with FCHO1-related conditions. An algorithm developed to predict the effect of missense changes on protein structure and function (PolyPhen-2) suggests that this variant¬¨‚Ä†is likely to be tolerated. In summary, the available evidence is currently insufficient to determine the role of this variant in disease. Therefore, it has been classified as a Variant of Uncertain Significance.